The following is an entry in ClinVar:

NM_001005361.3(DNM2):c.694A>G (p.Ile232Val)

Gene: DNM2 (dynamin 2; plus strand). Cytogenetic location: 19p13.2.
Variant type: single nucleotide variant.
Coding change: c.694A>G on transcript NM_001005361.3 (MANE Select); coding-DNA position 694, A replaced by G.
Protein change: p.Ile232Val; replaces isoleucine 232 with valine.
Molecular consequence: missense variant.
Genome position (GRCh38, 1-based): chr19:10,782,965, A>G. VCF-style: chr19-10782965-A-G. GRCh37 (hg19) VCF-style: chr19-10893641-A-G.
Other names: c.694A>G, p.Ile232Val (NM_001005360.3, NM_001005362.3, NM_001190716.2 and 1 more transcripts); short protein forms I232V.
Identifiers: ClinVar variation 1756281 (VCV001756281.2), dbSNP rs2513182839, ClinGen allele CA404044999.
Genomic context (GRCh38, chr19:10,782,965, plus strand): 5'-CAGGTCCACTTGGCTCACCTAGCTTTGCCCCTGACCTGACTGCCTCTCCCCACAGGCTAC[A>G]TTGGCGTGGTGAACCGCAGCCAGAAGGATATTGAGGGCAAGAAGGACATCCGTGCAGCAC-3'
Protein context (NP_001005361.1, residues 222-242): NKLLPLRRGY[Ile232Val]GVVNRSQKDI

ClinVar aggregate classification (germline): Uncertain significance (1 of 4 stars; one submission).

Conditions:
Inborn genetic diseases. Identifiers: MedGen C0950123, MeSH D030342.

Allele frequency attached by ClinVar (database versions not stated): gnomAD exomes below 0.00001.
gnomAD v4.1: 1 of 1,614,066 alleles (0.000062%); highest among the groups gnomAD compares: Middle Eastern, 0.016%; no homozygotes.

Submission:

Ambry Genetics
Classification: Uncertain significance for Inborn genetic diseases. Last evaluated: 2021-10-22. Review status: criteria provided, single submitter. Criteria: Ambry Variant Classification Scheme 2023. Collection method: clinical testing. Allele origin: germline.
Comment: The p.I232V variant (also known as c.694A>G), located in coding exon 6 of the DNM2 gene, results from an A to G substitution at nucleotide position 694. The isoleucine at codon 232 is replaced by valine, an amino acid with highly similar properties. This amino acid position is conserved. In addition, this alteration is predicted to be tolerated by in silico analysis. Since supporting evidence is limited at this time, the clinical significance of this alteration remains unclear.